The following is an entry in ClinVar:

NM_000043.6(FAS):c.183G>A (p.Lys61=)

Gene: FAS (Fas cell surface death receptor; plus strand). Cytogenetic location: 10q23.31.
Variant type: single nucleotide variant.
Coding change: c.183G>A on transcript NM_000043.6 (MANE Select); coding-DNA position 183, G replaced by A.
Protein change: p.Lys61=; no amino-acid change (lysine 61 retained).
Molecular consequence: synonymous variant. On other transcripts: non-coding transcript variant (7).
Genome position (GRCh38, 1-based): chr10:89,003,181, G>A. VCF-style: chr10-89003181-G-A. GRCh37 (hg19) VCF-style: chr10-90762938-G-A.
Other names: p.Lys61=; c.183G>A, p.Lys61= (NM_001320619.2, NM_152871.4, NM_152872.4).
Identifiers: ClinVar variation 155871 (VCV000155871.59), dbSNP rs3218613, ClinGen allele CA270665.

ClinVar aggregate classification (germline): Benign/Likely benign. Review status: criteria provided, multiple submitters, no conflicts (2 of 4 stars). 11 submissions from 11 submitters: Benign (8); Likely benign (1). 2 of the submissions do not count toward it. Last evaluated 2026-09-01.

Conditions:
FAS-related disorder. Also called: FAS-related condition.
Autoimmune lymphoproliferative syndrome type 1. Also called: AUTOIMMUNE LYMPHOPROLIFERATIVE SYNDROME, TYPE I, AUTOSOMAL DOMINANT. Identifiers: Orphanet 3261, MedGen C2717884, MONDO:0011158, OMIM 601859.

Allele frequency attached by ClinVar (database versions not stated): 1000 Genomes Project 30x 0.00344; 1000 Genomes Project 0.00359; TOPMed 0.00527; gnomAD 0.00602 and 0.00606; ESP Exome Variant Server 0.00615; gnomAD exomes 0.00656 and 0.00943; ExAC 0.00714.
gnomAD v4.1: 14,563 of 1,614,074 alleles (0.9%); highest among the groups gnomAD compares: Non-Finnish European, 1.1%; 89 homozygotes.

Submissions (11):

CeGaT Center for Human Genetics Tuebingen
Classification: Benign. Last evaluated: 2026-09-01. Review status: criteria provided, single submitter. Criteria: CeGaT Center For Human Genetics Tuebingen Variant Classification Criteria Version 2. Collection method: clinical testing. Allele origin: germline. Affected: yes. Observed: 25 variant alleles.
Comment: FAS: BP4, BP7, BS1, BS2

Labcorp Genetics (formerly Invitae), Labcorp
Classification: Benign for Autoimmune lymphoproliferative syndrome. Last evaluated: 2026-02-04. Review status: criteria provided, single submitter. Criteria: Invitae Variant Classification Sherloc (09022015). Collection method: clinical testing. Allele origin: germline.

Women's Health and Genetics/Laboratory Corporation of America, LabCorp
Classification: Benign. Last evaluated: 2026-01-23. Review status: criteria provided, single submitter. Criteria: LabCorp Variant Classification Summary - May 2015. Collection method: clinical testing. Allele origin: germline.

Mayo Clinic Laboratories, Mayo Clinic
Classification: Benign. Last evaluated: 2025-04-23. Review status: criteria provided, single submitter. Criteria: ACMG Guidelines, 2015. Collection method: clinical testing. Allele origin: germline. Observed: 1 variant allele.
Comment: BS1, BS2

Blueprint Genetics
Classification: Likely benign. Last evaluated: 2024-11-26. Review status: criteria provided, single submitter. Criteria: ACMG Guidelines, 2015. Collection method: clinical testing. Allele origin: germline.

Genetic Services Laboratory, University of Chicago
Classification: Benign. Last evaluated: 2021-03-03. Review status: criteria provided, single submitter. Criteria: ACMG Guidelines, 2015. Collection method: clinical testing. Allele origin: germline. Affected: no.

GeneDx
Classification: Benign. Last evaluated: 2021-02-15. Review status: criteria provided, single submitter. Criteria: GeneDx Variant Classification Process June 2021. Collection method: clinical testing. Allele origin: germline. Affected: yes.

Illumina Laboratory Services, Illumina
Classification: Benign for Autoimmune lymphoproliferative syndrome type 1. Last evaluated: 2018-01-12. Review status: criteria provided, single submitter. Criteria: ICSL Variant Classification Criteria 13 December 2019. Collection method: clinical testing. Allele origin: germline.
Comment: This variant was observed in the ICSL laboratory as part of a predisposition screen in an ostensibly healthy population. It had not been previously curated by ICSL or reported in the Human Gene Mutation Database (HGMD: prior to June 1st, 2018), and was therefore a candidate for classification through an automated scoring system. Utilizing variant allele frequency, disease prevalence and penetrance estimates, and inheritance mode, an automated score was calculated to assess if this variant is too frequent to cause the disease. Based on the score and internal cut-off values, a variant classified as benign is not then subjected to further curation. The score for this variant resulted in a classification of benign for this disease.

Breakthrough Genomics
Classification: Benign. Review status: criteria provided, single submitter. Criteria: ACMG Guidelines, 2015. Collection method: not provided. Allele origin: germline. Inheritance: Autosomal dominant inheritance. Affected: yes.

PreventionGenetics, part of Exact Sciences
Classification: Benign for FAS-related condition. Last evaluated: 2019-09-25. Review status: no assertion criteria provided. Collection method: clinical testing. Allele origin: germline. Not counted in ClinVar's aggregate classification.
Comment: This variant is classified as benign based on ACMG/AMP sequence variant interpretation guidelines (Richards et al. 2015 PMID: 25741868, with internal and published modifications).

Genomic Research Center, Shahid Beheshti University of Medical Sciences
Classification: Uncertain significance for Autoimmune lymphoproliferative syndrome. Review status: no assertion criteria provided. Collection method: not provided. Allele origin: somatic. Not counted in ClinVar's aggregate classification.
ClinVar note: Converted during submission from unknown to Uncertain significance.